The following is an entry in ClinVar:

NM_133259.4(LRPPRC):c.2505-149T>C

Gene: LRPPRC (leucine rich pentatricopeptide repeat containing; minus strand). Cytogenetic location: 2p21.
Variant type: single nucleotide variant.
Coding change: c.2505-149T>C on transcript NM_133259.4 (MANE Select); 149 bases into the intron before coding-DNA position 2505, T replaced by C.
Molecular consequence: intron variant.
Genome position (GRCh38, 1-based): chr2:43,935,027, A>G on the plus strand (T>C on the coding strand, the complement: LRPPRC is on the minus strand). VCF-style: chr2-43935027-A-G. GRCh37 (hg19) VCF-style: chr2-44162166-A-G.
Identifiers: ClinVar variation 676252 (VCV000676252.1), dbSNP rs11899538, ClinGen allele CA46448613.

ClinVar aggregate classification (germline): Benign (1 of 4 stars; one submission).

Allele frequency attached by ClinVar (database versions not stated): gnomAD 0.09619 and 0.10668; TOPMed 0.11263; gnomAD exomes 0.13848; 1000 Genomes Project 0.19369.
gnomAD v4.1: 76,822 of 591,592 alleles (13%); highest among the groups gnomAD compares: East Asian, 49%; 8,465 homozygotes.

Submission:

GeneDx
Classification: Benign. Last evaluated: 2018-06-14. Review status: criteria provided, single submitter. Criteria: GeneDx Variant Classification (06012015). Collection method: clinical testing. Allele origin: germline. Affected: yes.
Comment: This variant is considered likely benign or benign based on one or more of the following criteria: it is a conservative change, it occurs at a poorly conserved position in the protein, it is predicted to be benign by multiple in silico algorithms, and/or has population frequency not consistent with disease.